The following is an entry in ClinVar:

NM_022356.4(P3H1):c.611C>A (p.Pro204His)

Gene: P3H1 (prolyl 3-hydroxylase 1; minus strand). Cytogenetic location: 1p34.2.
Variant type: single nucleotide variant.
Coding change: c.611C>A on transcript NM_022356.4 (MANE Select); coding-DNA position 611, C replaced by A.
Protein change: p.Pro204His; replaces proline 204 with histidine.
Molecular consequence: missense variant.
Genome position (GRCh38, 1-based): chr1:42,762,330, G>T on the plus strand (C>A on the coding strand, the complement: P3H1 is on the minus strand). VCF-style: chr1-42762330-G-T. GRCh37 (hg19) VCF-style: chr1-43228001-G-T.
Other names: c.611C>A, p.Pro204His (NM_001146289.2, NM_001243246.2); short protein forms P204H.
Identifiers: ClinVar variation 468985 (VCV000468985.30), dbSNP rs77208721, ClinGen allele CA802142.
Genomic context (GRCh38, chr1:42,762,330, plus strand): 5'-CTAAAATAAATTTAAAAAGAAAGAAAGAAAGAAGGGGATAAAGTTTTTTTCACCATATGG[G>T]GTTGAGTCTCAAGATCCTTGAAGTCGGCCTCCTTCACTCCAGACATGGTTTGGTAATAGT-3'
Protein context (NP_071751.3, residues 194-214): EADFKDLETQ[Pro204His]HMQEFRLGVR

ClinVar aggregate classification (germline): Conflicting classifications of pathogenicity. Review status: criteria provided, conflicting classifications (1 of 4 stars). 8 submissions from 7 submitters: Uncertain significance (1); Benign (5). 2 of the submissions do not count toward it. Last evaluated 2026-01-27.

Conditions:
Osteogenesis imperfecta (OI). Identifiers: Orphanet 666, MedGen C0029434, MeSH D010013, MONDO:0019019.
Osteogenesis Imperfecta, Recessive.
Osteogenesis imperfecta type 8 (OI8). Identifiers: MedGen C1970458, MONDO:0012581, OMIM 610915.

Allele frequency attached by ClinVar (database versions not stated): gnomAD exomes 0.00180; ExAC 0.00211; ESP Exome Variant Server 0.00692; gnomAD 0.00700 and 0.00751; TOPMed 0.00759; 1000 Genomes Project 0.00839; 1000 Genomes Project 30x 0.00890.

Submissions (8):

Labcorp Genetics (formerly Invitae), Labcorp
Classification: Benign for Osteogenesis imperfecta type 8. Last evaluated: 2026-01-27. Review status: criteria provided, single submitter. Criteria: Invitae Variant Classification Sherloc (09022015). Collection method: clinical testing. Allele origin: germline.

ARUP Laboratories, Molecular Genetics and Genomics, ARUP Laboratories
Classification: Benign for Osteogenesis imperfecta type 8. Last evaluated: 2024-10-23. Review status: criteria provided, single submitter. Criteria: ARUP Molecular Germline Variant Investigation Process 2024. Collection method: clinical testing. Allele origin: germline.

Genome Diagnostics Laboratory, The Hospital for Sick Children
Classification: Benign for Osteogenesis imperfecta. Last evaluated: 2021-09-13. Review status: criteria provided, single submitter. Criteria: ACMG Guidelines, 2015. Collection method: clinical testing. Allele origin: germline.

Illumina Laboratory Services, Illumina
Classification: Benign for Osteogenesis imperfecta type 8. Last evaluated: 2018-01-13. Review status: criteria provided, single submitter. Criteria: ICSL Variant Classification Criteria 13 December 2019. Collection method: clinical testing. Allele origin: germline.
Comment: This variant was observed in the ICSL laboratory as part of a predisposition screen in an ostensibly healthy population. It had not been previously curated by ICSL or reported in the Human Gene Mutation Database (HGMD: prior to June 1st, 2018), and was therefore a candidate for classification through an automated scoring system. Utilizing variant allele frequency, disease prevalence and penetrance estimates, and inheritance mode, an automated score was calculated to assess if this variant is too frequent to cause the disease. Based on the score and internal cut-off values, a variant classified as benign is not then subjected to further curation. The score for this variant resulted in a classification of benign for this disease.

GeneDx
Classification: Benign. Last evaluated: 2017-10-12. Review status: criteria provided, single submitter. Criteria: GeneDx Variant Classification (06012015). Collection method: clinical testing. Allele origin: germline. Affected: yes.
Comment: This variant is considered likely benign or benign based on one or more of the following criteria: it is a conservative change, it occurs at a poorly conserved position in the protein, it is predicted to be benign by multiple in silico algorithms, and/or has population frequency not consistent with disease.

Illumina Laboratory Services, Illumina
Classification: Uncertain significance for Osteogenesis Imperfecta, Recessive. Last evaluated: 2017-04-27. Review status: criteria provided, single submitter. Criteria: ICSL Variant Classification Criteria 13 December 2019. Collection method: clinical testing. Allele origin: germline.

Genome Diagnostics Laboratory, Amsterdam University Medical Center
Classification: Benign. Review status: no assertion criteria provided. Collection method: clinical testing. Allele origin: germline. Affected: yes. Study: VKGL Data-share Consensus. Not counted in ClinVar's aggregate classification.

Laboratory of Diagnostic Genome Analysis, Leiden University Medical Center (LUMC)
Classification: Likely benign. Review status: no assertion criteria provided. Collection method: clinical testing. Allele origin: germline. Affected: yes. Study: VKGL Data-share Consensus. Not counted in ClinVar's aggregate classification.